The following is an entry in ClinVar:

ClinVar aggregate classification (germline): Uncertain significance (1 of 4 stars; one submission).

Submission:

GeneDx
Classification: Uncertain significance. Last evaluated: 2022-03-31. Review status: criteria provided, single submitter. Criteria: GeneDx Variant Classification Process June 2021. Collection method: clinical testing. Allele origin: germline. Affected: yes.
Comment: Has not been previously published as pathogenic or benign to our knowledge; Not observed at significant frequency in large population cohorts (gnomAD); In silico analysis supports that this missense variant does not alter protein structure/function; This variant is associated with the following publications: (PMID: 10939567)

NM_170707.4(LMNA):c.384A>G (p.Ile128Met)

Genes: LMNA (lamin A/C; plus strand), LOC126805877 (MED14-independent group 3 enhancer GRCh37_chr1:156099693-156100892; plus strand). Cytogenetic location: 1q22.
Variant type: single nucleotide variant.
Coding change: c.384A>G on transcript NM_170707.4 (MANE Select); coding-DNA position 384, A replaced by G.
Protein change: p.Ile128Met; replaces isoleucine 128 with methionine.
Molecular consequence: missense variant.
Genome position (GRCh38, 1-based): chr1:156,130,644, A>G. VCF-style: chr1-156130644-A-G. GRCh37 (hg19) VCF-style: chr1-156100435-A-G.
Other names: c.48A>G, p.Ile16Met (NM_001406989.1, NM_001406998.1, NM_001257374.3); c.384A>G, p.Ile128Met (NM_001406991.1, NM_001406992.1, NM_170708.4 and 6 more transcripts); c.-175A>G (NM_001406993.1, NM_001406996.1, NM_001406997.1 and 1 more transcripts); c.-281A>G (NM_001406994.1, NM_001406999.1, NM_001407000.1); c.141A>G, p.Ile47Met (NM_001282624.2, NM_001406986.1, NM_001406987.1); c.87A>G, p.Ile29Met (NM_001406988.1); short protein forms I128M, I16M, I29M, I47M.
Identifiers: ClinVar variation 1707890 (VCV001707890.2), dbSNP rs2527935831, ClinGen allele CA342815112.